The following is an entry in ClinVar:

ClinVar aggregate classification (germline): Conflicting classifications of pathogenicity. Review status: criteria provided, conflicting classifications (1 of 4 stars). 6 submissions from 6 submitters: Uncertain significance (1); Benign (2); Likely benign (2). 1 of the submissions does not count toward it. Last evaluated 2026-02-02.

Conditions:
Long QT syndrome (LQTS). Identifiers: MedGen C0023976, MeSH D008133, MONDO:0002442. Disease mechanism: loss of function. Inheritance: Various modes of inheritance.
Timothy syndrome (TS). Also called: LONG QT SYNDROME WITH SYNDACTYLY. Identifiers: Orphanet 65283, MedGen C1832916, MeSH C536962, MONDO:0010979, OMIM 601005.
Brugada syndrome 3 (BRGDA3). Identifiers: Orphanet 130, MedGen C2678478, MONDO:0012742, OMIM 611875.
Long QT syndrome 8. Identifiers: MedGen CN260585, MONDO:0032756, OMIM 618447.
Neurodevelopmental disorder with hypotonia, language delay, and skeletal defects with or without seizures (NEDHLSS). Identifiers: MedGen C5774213, MONDO:0859286, OMIM 620029.
CACNA1C-related disorder. Also called: CACNA1C-related condition; CACNA1C-related disorders. Identifiers: MedGen CN381092, MONDO:0700321.
Cardiovascular phenotype. Identifiers: MedGen CN230736.

Allele frequency attached by ClinVar (database versions not stated): gnomAD 0.00007; TOPMed 0.00009; ExAC 0.00006; gnomAD exomes 0.00007; ESP Exome Variant Server 0.00023.
gnomAD v4.1: 150 of 1,605,958 alleles (0.0093%); highest among the groups gnomAD compares: Non-Finnish European, 0.012%; no homozygotes.

Submissions (6):

Labcorp Genetics (formerly Invitae), Labcorp
Classification: Likely benign for Long QT syndrome. Last evaluated: 2026-02-02. Review status: criteria provided, single submitter. Criteria: Invitae Variant Classification Sherloc (09022015). Collection method: clinical testing. Allele origin: germline.

Ambry Genetics
Classification: Likely benign for Cardiovascular phenotype. Last evaluated: 2018-04-20. Review status: criteria provided, single submitter. Criteria: Ambry Variant Classification Scheme 2023. Collection method: clinical testing. Allele origin: germline.

Women's Health and Genetics/Laboratory Corporation of America, LabCorp
Classification: Benign. Last evaluated: 2017-01-16. Review status: criteria provided, single submitter. Criteria: LabCorp Variant Classification Summary - May 2015. Collection method: clinical testing. Allele origin: germline.
Comment: Variant summary: The CACNA1C c.2854-4G>A variant involves the alteration of a non-conserved intronic nucleotide, which 5/5 splice prediction tools predict no significant impact on normal splicing and ESE finder predicts alterations to ESE binding, although these predictions have yet to be functionally assessed. The variant of interest was observed in the large, broad control population, ExAC, with an allele frequency of 7/120806 (1/17259), predominantly in the European (Non-Finnish) cohort, 6/66684 (1/11113), which significantly exceeds the estimated maximal expected allele frequency for a pathogenic CACNA1C variant of 1/100000. Therefore, suggesting this variant is likely a benign polymorphism found in population(s) of European (Non-Finnish) origin. The variant of interest has, to our knowledge, been reported in affected individuals via publications and/or reputable databases/clinical diagnostic laboratories. Therefore, due to the frequency observed in the ExAC control population, the variant of interest has been classified as Benign.

GeneDx
Classification: Benign. Last evaluated: 2015-03-03. Review status: criteria provided, single submitter. Criteria: GeneDx Variant Classification Process June 2021. Collection method: clinical testing. Allele origin: germline. Affected: yes.

Center for Genomics, Ann and Robert H. Lurie Children's Hospital of Chicago
Classification: Uncertain significance for Timothy syndrome; Long QT syndrome 8; Neurodevelopmental disorder with hypotonia, language delay, and skeletal defects with or without seizures; Brugada syndrome 3. Review status: criteria provided, single submitter. Criteria: ACMG Guidelines, 2015. Collection method: clinical testing. Allele origin: germline.
Comment: CACNA1C NM_000719.6 exon 22 c.2854-4G>A: This variant has not been reported in the literature and is present in 0.01% (4/24432) of African alleles in the Genome Aggregation Database. This variant is present in ClinVar (Variation ID:496072). Evolutionary conservation and computational predictive tools for this variant are limited or unavailable. This variant is an intronic variant with no predicted change in the amino acid sequence but may have an unknown effect on splicing. Further studies are needed to understand its impact. In summary, data on this variant is insufficient for disease classification. Therefore, the clinical significance of this variant is uncertain

PreventionGenetics, part of Exact Sciences
Classification: Likely benign for CACNA1C-related condition. Last evaluated: 2022-02-23. Review status: no assertion criteria provided. Collection method: clinical testing. Allele origin: germline. Not counted in ClinVar's aggregate classification.
Comment: This variant is classified as likely benign based on ACMG/AMP sequence variant interpretation guidelines (Richards et al. 2015 PMID: 25741868, with internal and published modifications).

NM_000719.7(CACNA1C):c.2854-4G>A

Gene: CACNA1C (calcium voltage-gated channel subunit alpha1 C; plus strand). Cytogenetic location: 12p13.33.
Variant type: single nucleotide variant.
Coding change: c.2854-4G>A on transcript NM_000719.7 (MANE Select); 4 bases into the intron before coding-DNA position 2854, G replaced by A.
Molecular consequence: intron variant.
Genome position (GRCh38, 1-based): chr12:2,601,850, G>A. VCF-style: chr12-2601850-G-A. GRCh37 (hg19) VCF-style: chr12-2711016-G-A.
Other names: c.2854-4G>A (NM_001167624.3, NM_001167623.2, NM_001167625.2 and 15 more transcripts); c.2914-4G>A (NM_199460.4, NM_001129827.2, NM_001129832.2); c.2845-4G>A (NM_001129844.2).
Identifiers: ClinVar variation 496072 (VCV000496072.19), dbSNP rs113929946, ClinGen allele CA6389097.